The following is an entry in ClinVar:

NM_001394067.2(RAPGEF2):c.3819G>A (p.Ser1273=)

Gene: RAPGEF2 (Rap guanine nucleotide exchange factor 2; plus strand). Cytogenetic location: 4q32.1.
Variant type: single nucleotide variant.
Coding change: c.3819G>A on transcript NM_001394067.2 (MANE Select); coding-DNA position 3819, G replaced by A.
Protein change: p.Ser1273=; no amino-acid change (serine 1273 retained).
Molecular consequence: synonymous variant.
Genome position (GRCh38, 1-based): chr4:159,350,243, G>A. VCF-style: chr4-159350243-G-A. GRCh37 (hg19) VCF-style: chr4-160271395-G-A.
Other names: c.3819G>A, p.Ser1273= (NM_001351724.5); c.3471G>A, p.Ser1157= (NM_001351725.2, NM_001351726.3); c.3336G>A, p.Ser1112= (NM_001351727.4, NM_001351728.4, NM_014247.5).
Identifiers: ClinVar variation 2655162 (VCV002655162.25), dbSNP rs142337348, ClinGen allele CA3125040.

ClinVar aggregate classification (germline): Likely benign. Review status: criteria provided, multiple submitters, no conflicts (2 of 4 stars). 2 submissions from 2 submitters: Likely benign (2). Last evaluated 2024-11-05.

Allele frequency attached by ClinVar (database versions not stated): ESP Exome Variant Server 0.00118; gnomAD 0.00123; TOPMed 0.00141; 1000 Genomes Project 30x 0.00156; 1000 Genomes Project 0.00160; ExAC 0.00038.
gnomAD v4.1: 376 of 1,599,312 alleles (0.024%); highest among the groups gnomAD compares: African/African-American, 0.37%; no homozygotes.

Submissions (2):

Blueprint Genetics
Classification: Likely benign. Last evaluated: 2024-11-05. Review status: criteria provided, single submitter. Criteria: ACMG Guidelines, 2015. Collection method: clinical testing. Allele origin: germline.

CeGaT Center for Human Genetics Tuebingen
Classification: Likely benign. Last evaluated: 2022-05-01. Review status: criteria provided, single submitter. Criteria: CeGaT Center For Human Genetics Tuebingen Variant Classification Criteria Version 2. Collection method: clinical testing. Allele origin: germline. Affected: yes. Observed: 1 variant allele.
Comment: RAPGEF2: BP4, BP7